The following is an entry in ClinVar:

ClinVar aggregate classification (germline): Uncertain significance (1 of 4 stars; one submission).

Conditions:
Arrhythmogenic right ventricular dysplasia 11. Also called: Arrhythmogenic right ventricular dysplasia 11 with mild palmoplantar keratoderma and woolly hair; Arrhythmogenic Right Ventricular Dysplasia/Cardiomyopathy11; ARRHYTHMOGENIC RIGHT VENTRICULAR DYSPLASIA, FAMILIAL, 11. Identifiers: MedGen C1864850, MONDO:0012506, OMIM 610476.

gnomAD v4.1: 1 of 1,604,074 alleles (0.000062%); highest among the groups gnomAD compares: Admixed American, 0.0017%; no homozygotes.

Submission:

Labcorp Genetics (formerly Invitae), Labcorp
Classification: Uncertain significance for Arrhythmogenic right ventricular dysplasia 11. Last evaluated: 2021-11-11. Review status: criteria provided, single submitter. Criteria: Invitae Variant Classification Sherloc (09022015). Collection method: clinical testing. Allele origin: germline.
Comment: In summary, the available evidence is currently insufficient to determine the role of this variant in disease. Therefore, it has been classified as a Variant of Uncertain Significance. Algorithms developed to predict the effect of missense changes on protein structure and function (SIFT, PolyPhen-2, Align-GVGD) all suggest that this variant is likely to be tolerated. This variant has not been reported in the literature in individuals affected with DSC2-related conditions. This variant is present in population databases (no rsID available, gnomAD 0.003%). This sequence change replaces leucine, which is neutral and non-polar, with valine, which is neutral and non-polar, at codon 48 of the DSC2 protein (p.Leu48Val).

NM_024422.6(DSC2):c.142C>G (p.Leu48Val)

Gene: DSC2 (desmocollin 2; minus strand). Cytogenetic location: 18q12.1.
Variant type: single nucleotide variant.
Coding change: c.142C>G on transcript NM_024422.6 (MANE Select); coding-DNA position 142, C replaced by G.
Protein change: p.Leu48Val; replaces leucine 48 with valine.
Molecular consequence: missense variant.
Genome position (GRCh38, 1-based): chr18:31,093,571, G>C on the plus strand (C>G on the coding strand, the complement: DSC2 is on the minus strand). VCF-style: chr18-31093571-G-C. GRCh37 (hg19) VCF-style: chr18-28673534-G-C.
Other names: c.142C>G, p.Leu48Val (NM_004949.5); short protein forms L48V.
Identifiers: ClinVar variation 1492393 (VCV001492393.6), dbSNP rs769776739, ClinGen allele CA402115030.